The following is an entry in ClinVar:

ClinVar aggregate classification (germline): Likely benign (1 of 4 stars; one submission).

Conditions:
TMEM67-related disorder. Also called: TMEM67-related disorders; TMEM67-related condition. Identifiers: MedGen CN239423.

Submission:

PreventionGenetics, part of Exact Sciences
Classification: Likely benign for TMEM67-related condition. Last evaluated: 2025-02-12. Review status: criteria provided, single submitter. Criteria: ACMG Guidelines, 2015. Collection method: clinical testing. Allele origin: germline.
Comment: This variant is classified as likely benign based on ACMG/AMP sequence variant interpretation guidelines (Richards et al. 2015 PMID: 25741868, with internal and published modifications).

NM_153704.6(TMEM67):c.1503C>T (p.Asn501=)

Gene: TMEM67 (transmembrane protein 67; plus strand). Cytogenetic location: 8q22.1.
Variant type: single nucleotide variant.
Coding change: c.1503C>T on transcript NM_153704.6 (MANE Select); coding-DNA position 1503, C replaced by T.
Protein change: p.Asn501=; no amino-acid change (asparagine 501 retained).
Molecular consequence: synonymous variant. On other transcripts: non-coding transcript variant (1).
Genome position (GRCh38, 1-based): chr8:93,787,934, C>T. VCF-style: chr8-93787934-C-T. GRCh37 (hg19) VCF-style: chr8-94800162-C-T.
Other names: c.1260C>T, p.Asn420= (NM_001142301.1).
Identifiers: ClinVar variation 4997427 (VCV004997427.1).
Genomic context (GRCh38, chr8:93,787,934, plus strand): 5'-AAACATCTACCCTCCCTTAATCACCATTGCCTACAGTGACATTGATATCAAAGATGCCAA[C>T]AGCCAGTCTGTGAAGGTGAGTTCCTGACTTATTAGTGCCCTTGTATGTATAAATAGAGTA-3'
Protein context (NP_714915.3, residues 491-511): AYSDIDIKDA[Asn501=]SQSVKVSFSV